The following is an entry in ClinVar:

ClinVar aggregate classification (germline): Uncertain significance (1 of 4 stars; one submission).

Conditions:
Ehlers-Danlos syndrome, dermatosparaxis type. Also called: Ehlers-Danlos syndrome, type VII, autosomal recessive; Dermatosparaxis; EDS VIIC. Identifiers: Orphanet 1901, MedGen C2700425, MONDO:0009161, OMIM 225410.

Submission:

Labcorp Genetics (formerly Invitae), Labcorp
Classification: Uncertain significance for Ehlers-Danlos syndrome, dermatosparaxis type. Last evaluated: 2024-10-03. Review status: criteria provided, single submitter. Criteria: Invitae Variant Classification Sherloc (09022015). Collection method: clinical testing. Allele origin: germline.
Comment: This sequence change replaces lysine, which is basic and polar, with threonine, which is neutral and polar, at codon 530 of the ADAMTS2 protein (p.Lys530Thr). This variant is not present in population databases (gnomAD no frequency). This variant has not been reported in the literature in individuals affected with ADAMTS2-related conditions. An algorithm developed to predict the effect of missense changes on protein structure and function (PolyPhen-2) suggests that this variant is likely to be disruptive. In summary, the available evidence is currently insufficient to determine the role of this variant in disease. Therefore, it has been classified as a Variant of Uncertain Significance.

NM_014244.5(ADAMTS2):c.1589A>C (p.Lys530Thr)

Gene: ADAMTS2 (ADAM metallopeptidase with thrombospondin type 1 motif 2; minus strand). Cytogenetic location: 5q35.3.
Variant type: single nucleotide variant.
Coding change: c.1589A>C on transcript NM_014244.5 (MANE Select); coding-DNA position 1589, A replaced by C.
Protein change: p.Lys530Thr; replaces lysine 530 with threonine.
Molecular consequence: missense variant.
Genome position (GRCh38, 1-based): chr5:179,152,182, T>G on the plus strand (A>C on the coding strand, the complement: ADAMTS2 is on the minus strand). VCF-style: chr5-179152182-T-G. GRCh37 (hg19) VCF-style: chr5-178579183-T-G.
Other names: c.1589A>C, p.Lys530Thr (NM_021599.4); short protein forms K530T.
Identifiers: ClinVar variation 3722191 (VCV003722191.2).